The following is an entry in ClinVar:

NM_001271.4(CHD2):c.2005G>C (p.Glu669Gln)

Gene: CHD2 (chromodomain helicase DNA binding protein 2; plus strand). Cytogenetic location: 15q26.1.
Variant type: single nucleotide variant.
Coding change: c.2005G>C on transcript NM_001271.4 (MANE Select); coding-DNA position 2005, G replaced by C.
Protein change: p.Glu669Gln; replaces glutamic acid 669 with glutamine.
Molecular consequence: missense variant.
Genome position (GRCh38, 1-based): chr15:92,967,329, G>C. VCF-style: chr15-92967329-G-C. GRCh37 (hg19) VCF-style: chr15-93510559-G-C.
Other names: c.2005G>C (NM_001271.3); short protein forms E669Q.
Identifiers: ClinVar variation 2749457 (VCV002749457.4), dbSNP rs2505515646, ClinGen allele CA393906985.

ClinVar aggregate classification (germline): Uncertain significance. Review status: criteria provided, multiple submitters, no conflicts (2 of 4 stars). 2 submissions from 2 submitters: Uncertain significance (2). Last evaluated 2025-08-01.

Conditions:
Developmental and epileptic encephalopathy 94 (DEE94). Also called: Epileptic encephalopathy, childhood-onset; CHD2-Related Neurodevelopmental Disorders. Identifiers: Orphanet 1942, Orphanet 2382, MedGen C3809278, MONDO:0014150, OMIM 615369.

Allele frequency attached by ClinVar (database versions not stated): gnomAD exomes below 0.00001.
gnomAD v4.1: 3 of 1,605,034 alleles (0.00019%); highest among the groups gnomAD compares: Non-Finnish European, 0.00026%; no homozygotes.

Submissions (2):

GeneDx
Classification: Uncertain significance. Last evaluated: 2025-08-01. Review status: criteria provided, single submitter. Criteria: GeneDx Variant Classification Process June 2021. Collection method: clinical testing. Allele origin: germline. Affected: yes.
Comment: Not observed at significant frequency in large population cohorts (gnomAD); In silico analysis suggests that this missense variant does not alter protein structure/function; Has not been previously published as pathogenic or benign to our knowledge

Labcorp Genetics (formerly Invitae), Labcorp
Classification: Uncertain significance for Developmental and epileptic encephalopathy 94. Last evaluated: 2023-08-02. Review status: criteria provided, single submitter. Criteria: Invitae Variant Classification Sherloc (09022015). Collection method: clinical testing. Allele origin: germline.
Comment: In summary, the available evidence is currently insufficient to determine the role of this variant in disease. Therefore, it has been classified as a Variant of Uncertain Significance. Advanced modeling of protein sequence and biophysical properties (such as structural, functional, and spatial information, amino acid conservation, physicochemical variation, residue mobility, and thermodynamic stability) performed at Invitae indicates that this missense variant is not expected to disrupt CHD2 protein function. This variant has not been reported in the literature in individuals affected with CHD2-related conditions. This variant is not present in population databases (gnomAD no frequency). This sequence change replaces glutamic acid, which is acidic and polar, with glutamine, which is neutral and polar, at codon 669 of the CHD2 protein (p.Glu669Gln).